The following is an entry in ClinVar:

ClinVar aggregate classification (germline): Uncertain significance (1 of 4 stars; one submission).

Conditions:
Hyperekplexia 2 (HKPX2). Identifiers: Orphanet 3197, MedGen C3553291, MONDO:0013828, OMIM 614619.

Submission:

Labcorp Genetics (formerly Invitae), Labcorp
Classification: Uncertain significance for Hyperekplexia 2. Last evaluated: 2023-07-07. Review status: criteria provided, single submitter. Criteria: Invitae Variant Classification Sherloc (09022015). Collection method: clinical testing. Allele origin: germline.
Comment: This sequence change replaces phenylalanine, which is neutral and non-polar, with serine, which is neutral and polar, at codon 91 of the GLRB protein (p.Phe91Ser). This variant is not present in population databases (gnomAD no frequency). This variant has not been reported in the literature in individuals affected with GLRB-related conditions. ClinVar contains an entry for this variant (Variation ID: 1354939). Advanced modeling of protein sequence and biophysical properties (such as structural, functional, and spatial information, amino acid conservation, physicochemical variation, residue mobility, and thermodynamic stability) performed at Invitae indicates that this missense variant is expected to disrupt GLRB protein function. In summary, the available evidence is currently insufficient to determine the role of this variant in disease. Therefore, it has been classified as a Variant of Uncertain Significance.

NM_000824.5(GLRB):c.272T>C (p.Phe91Ser)

Gene: GLRB (glycine receptor beta; plus strand). Cytogenetic location: 4q32.1.
Variant type: single nucleotide variant.
Coding change: c.272T>C on transcript NM_000824.5 (MANE Select); coding-DNA position 272, T replaced by C.
Protein change: p.Phe91Ser; replaces phenylalanine 91 with serine.
Molecular consequence: missense variant.
Genome position (GRCh38, 1-based): chr4:157,122,372, T>C. VCF-style: chr4-157122372-T-C. GRCh37 (hg19) VCF-style: chr4-158043524-T-C.
Other names: c.272T>C, p.Phe91Ser (NM_001166060.2, NM_001166061.2); short protein forms F91S.
Identifiers: ClinVar variation 1354939 (VCV001354939.6), dbSNP rs2126534815, ClinGen allele CA358641936.